The following is an entry in ClinVar:

ClinVar aggregate classification (germline): Uncertain significance (1 of 4 stars; one submission).

Conditions:
Neurodegeneration with brain iron accumulation 8. Identifiers: MedGen C4693587, MONDO:0054764, OMIM 617917.

Allele frequency attached by ClinVar (database versions not stated): gnomAD exomes 0.00039 and 0.00066; ESP Exome Variant Server 0.00046; gnomAD 0.00046 and 0.00051; TOPMed 0.00047; ExAC 0.00053.
gnomAD v4.1: 1,012 of 1,613,632 alleles (0.063%); highest among the groups gnomAD compares: Non-Finnish European, 0.08%; 1 homozygote.

Submission:

Labcorp Genetics (formerly Invitae), Labcorp
Classification: Uncertain significance. Last evaluated: 2025-11-17. Review status: criteria provided, single submitter. Criteria: Invitae Variant Classification Sherloc (09022015). Collection method: clinical testing. Allele origin: germline.
Comment: This sequence change replaces arginine, which is basic and polar, with histidine, which is basic and polar, at codon 277 of the CRAT protein (p.Arg277His). This variant is present in population databases (rs146338921, gnomAD 0.08%), and has an allele count higher than expected for a pathogenic variant. This variant has not been reported in the literature in individuals affected with CRAT-related conditions. ClinVar contains an entry for this variant (Variation ID: 684522). Invitae Evidence Modeling of protein sequence and biophysical properties (such as structural, functional, and spatial information, amino acid conservation, physicochemical variation, residue mobility, and thermodynamic stability) indicates that this missense variant is not expected to disrupt CRAT protein function with a negative predictive value of 80%. In summary, the available evidence is currently insufficient to determine the role of this variant in disease. Therefore, it has been classified as a Variant of Uncertain Significance.

NM_000755.5(CRAT):c.830G>A (p.Arg277His)

Gene: CRAT (carnitine O-acetyltransferase; minus strand). Cytogenetic location: 9q34.11.
Variant type: single nucleotide variant.
Coding change: c.830G>A on transcript NM_000755.5 (MANE Select); coding-DNA position 830, G replaced by A.
Protein change: p.Arg277His; replaces arginine 277 with histidine.
Molecular consequence: missense variant.
Genome position (GRCh38, 1-based): chr9:129,100,665, C>T on the plus strand (G>A on the coding strand, the complement: CRAT is on the minus strand). VCF-style: chr9-129100665-C-T. GRCh37 (hg19) VCF-style: chr9-131862944-C-T.
Other names: c.767G>A, p.Arg256His (NM_001257363.3, NM_001346548.2, NM_004003.4); c.833G>A, p.Arg278His (NM_001346546.2); c.830G>A, p.Arg277His (NM_001346547.2); c.710G>A, p.Arg237His (NM_001346549.2); short protein forms R256H, R278H, R237H, R277H.
Identifiers: ClinVar variation 684522 (VCV000684522.9), dbSNP rs146338921, ClinGen allele CA5275593.
Genomic context (GRCh38, chr9:129,100,665, plus strand): 5'-TCTGAGACCCTGGGCATGGTTGCATCTAGGCACACGGTGAAGATGCTCTTCTGGATGGAG[C>T]GCACGGAATCCCGGTTCACCTTGTCTGCAGGTGGCATGGGGCGGGGAGACGCAAAATGGG-3'
Protein context (NP_000746.3, residues 267-287): IKDKVNRDSV[Arg277His]SIQKSIFTVC